The following is an entry in ClinVar:

NM_002700.3(POU4F3):c.778C>T (p.Arg260Ter)

Genes: POU4F3 (POU class 4 homeobox 3; plus strand), RBM27-POU4F3 (RBM27-POU4F3 readthrough; plus strand). Cytogenetic location: 5q32.
Variant type: single nucleotide variant.
Coding change: c.778C>T on transcript NM_002700.3 (MANE Select); coding-DNA position 778, C replaced by T.
Protein change: p.Arg260Ter; replaces arginine 260 with a stop codon.
Molecular consequence: nonsense. On other transcripts: 3 prime UTR variant (1).
Genome position (GRCh38, 1-based): chr5:146,340,205, C>T. VCF-style: chr5-146340205-C-T. GRCh37 (hg19) VCF-style: chr5-145719768-C-T.
Other names: c.*647C>T (NM_001414499.1); short protein forms R260*.
Identifiers: ClinVar variation 4972381 (VCV004972381.2).

ClinVar aggregate classification (germline): Pathogenic/Likely pathogenic. Review status: criteria provided, multiple submitters, no conflicts (2 of 4 stars). 2 submissions from 2 submitters: Pathogenic (1); Likely pathogenic (1). Last evaluated 2026-08-01.

Conditions:
POU4F3-related disorder. Also called: POU4F3-related condition.

Submissions (2):

CeGaT Center for Human Genetics Tuebingen
Classification: Likely pathogenic. Last evaluated: 2026-08-01. Review status: criteria provided, single submitter. Criteria: CeGaT Center For Human Genetics Tuebingen Variant Classification Criteria Version 2. Collection method: clinical testing. Allele origin: germline. Affected: yes. Observed: 1 variant allele.
Comment: POU4F3: PVS1:Strong, PM2

Blueprint Genetics
Classification: Pathogenic for POU4F3-related disorders. Last evaluated: 2022-09-13. Review status: criteria provided, single submitter. Criteria: ACMG Guidelines, 2015. Collection method: clinical testing. Allele origin: germline. Affected: yes. Observed: 3 variant alleles.